The following is an entry in ClinVar:

NM_005220.3(DLX3):c.535A>C (p.Asn179His)

Gene: DLX3 (distal-less homeobox 3; minus strand). Cytogenetic location: 17q21.33.
Variant type: single nucleotide variant.
Coding change: c.535A>C on transcript NM_005220.3 (MANE Select); coding-DNA position 535, A replaced by C.
Protein change: p.Asn179His; replaces asparagine 179 with histidine.
Molecular consequence: missense variant.
Genome position (GRCh38, 1-based): chr17:49,991,846, T>G on the plus strand (A>C on the coding strand, the complement: DLX3 is on the minus strand). VCF-style: chr17-49991846-T-G. GRCh37 (hg19) VCF-style: chr17-48069210-T-G.
Other names: short protein forms N179H.
Identifiers: ClinVar variation 3900721 (VCV003900721.1).
Genomic context (GRCh38, chr17:49,991,846, plus strand): 5'-GACTGTGCTCCAGCGGCACCTCCCCGTTCTTGTAGAGTTTCTTGAACTTGGAACGGCGGT[T>G]CTGGAACCAGATTTTCACCTGGGCCAGAGAAGAAAGGGGTAGCTAGTTAGCCTCTCAGAA-3'
Protein context (NP_005211.1, residues 169-189): TQTQVKIWFQ[Asn179His]RRSKFKKLYK

ClinVar aggregate classification (germline): Likely pathogenic (1 of 4 stars; one submission).

Conditions:
Hypomaturation-hypoplastic amelogenesis imperfecta with taurodontism. Also called: Amelogenesis imperfecta, type IV. Identifiers: Orphanet 100034, Orphanet 88661, MedGen C1863012, MONDO:0007093, OMIM 104510. Disease mechanism: loss of function.

Submission:

MVZ Medizinische Genetik Mainz
Classification: Likely pathogenic for Hypomaturation-hypoplastic amelogenesis imperfecta with taurodontism. Last evaluated: 2025-05-09. Review status: criteria provided, single submitter. Criteria: UK Practice Guidelines For Variant Classification V4 01 2020. Collection method: clinical testing. Allele origin: germline. Inheritance: Autosomal dominant inheritance. Affected: yes. Observed: 1 variant allele.
Comment: ACMG Criteria: PP3_STR,PM2_SUP,PP2,PP4